The following is an entry in ClinVar:

ClinVar aggregate classification (germline): Pathogenic (1 of 4 stars; one submission).

Conditions:
Pseudohypoaldosteronism, type IB1, autosomal recessive. Also called: Pseudohypoaldosteronism, Type I, Autosomal Recessive; PHA I, AUTOSOMAL RECESSIVE; Pseudohypoaldosteronism, Type I, Recessive; Autosomal recessive pseudohypoaldosteronism type 1. Identifiers: Orphanet 171876, Orphanet 756, MedGen C5774176, MONDO:0009917, OMIM 264350.

Submission:

3billion
Classification: Pathogenic for Pseudohypoaldosteronism, type IB1, autosomal recessive. Last evaluated: 2025-08-26. Review status: criteria provided, single submitter. Criteria: ACMG Guidelines, 2015. Collection method: clinical testing. Allele origin: germline. Affected: yes.
Comment: The variant is not observed in the gnomAD v4.1.0 dataset. Predicted Consequence/Location: Frameshift: predicted to result in a loss or disruption of normal protein function through nonsense-mediated decay (NMD) or protein truncation. Multiple pathogenic variants are reported downstream of the variant. Therefore, this variant is classified as Pathogenic according to the recommendation of ACMG/AMP guideline.

NM_001038.6(SCNN1A):c.1051dup (p.Val351fs)

Gene: SCNN1A (sodium channel epithelial 1 subunit alpha; minus strand). Cytogenetic location: 12p13.31.
Variant type: Duplication.
Coding change: c.1051dup on transcript NM_001038.6 (MANE Select); coding-DNA position 1051, one base duplicated (G; older notation c.1051dupG).
Protein change: p.Val351fs; shifts the reading frame from valine 351.
Molecular consequence: frameshift variant.
Genome position (GRCh38, 1-based): chr12:6,355,364, C duplicated on the plus strand (G on the coding strand, the reverse complement: SCNN1A is on the minus strand); the first of 3 consecutive C bases (chr12:6,355,364-6,355,366); duplicating any one gives the same sequence. VCF-style (leftmost placement, unchanged base first): chr12-6355363-A-AC. GRCh37 (hg19) VCF-style: chr12-6464529-A-AC.
Other names: c.1120dup, p.Val374fs (NM_001159575.2); c.1228dup, p.Val410fs (NM_001159576.2); short protein forms V351fs, V374fs, V410fs.
Identifiers: ClinVar variation 4855918 (VCV004855918.1).